The following is an entry in ClinVar:

NM_001377530.1(DMBT1):c.1750_1751del (p.Gly584fs)

Gene: DMBT1 (deleted in malignant brain tumors 1; plus strand). Cytogenetic location: 10q26.13.
Variant type: Deletion.
Coding change: c.1750_1751del on transcript NM_001377530.1 (MANE Select); coding-DNA positions 1750 to 1751, 2 bases deleted (GG; older notation c.1750_1751delGG).
Protein change: p.Gly584fs; shifts the reading frame from glycine 584.
Molecular consequence: frameshift variant. On other transcripts: intron variant (1).
Genome position (GRCh38, 1-based): chr10:122,586,350-122,586,351, GG deleted. VCF-style (leftmost placement, unchanged base first): chr10-122586349-TGG-T. GRCh37 (hg19) VCF-style: chr10-124345865-TGG-T.
Other names: c.1750_1751del, p.Gly584fs (NM_001320644.2, NM_007329.3); c.1720_1721del, p.Gly574fs (NM_017579.3); c.1420+1999_1420+2000del (NM_004406.3); short protein forms G574fs, G584fs.
Identifiers: ClinVar variation 3234339 (VCV003234339.20), dbSNP rs776957966, ClinGen allele CA5726905.
Genomic context (GRCh38, chr10:122,586,349, plus strand): 5'-CTCAGGGAATGAGTCCTACTTGTGGAGCTGCCCCCACAATGGCTGGCTCTCCCATAACTG[TGG>T]CCATAGTGAAGACGCTGGTGTCATCTGCTCAGGTGGGCCTCCAAGACTTTTGGTTTCCTC-3'

ClinVar aggregate classification (germline): Likely benign (1 of 4 stars; one submission).

Allele frequency attached by ClinVar (database versions not stated): ExAC 0.00109.

Submission:

CeGaT Center for Human Genetics Tuebingen
Classification: Likely benign. Last evaluated: 2025-01-01. Review status: criteria provided, single submitter. Criteria: CeGaT Center For Human Genetics Tuebingen Variant Classification Criteria Version 2. Collection method: clinical testing. Allele origin: germline. Affected: yes. Observed: 2 variant alleles.
Comment: DMBT1: BS2